The following is an entry in ClinVar:

ClinVar aggregate classification (germline): Uncertain significance (1 of 4 stars; one submission).

Conditions:
Hereditary cancer-predisposing syndrome. Also called: Hereditary neoplastic syndrome; Neoplastic Syndromes, Hereditary; Tumor predisposition; Hereditary Cancer Syndrome. Identifiers: Orphanet 140162, MedGen C0027672, MeSH D009386, MONDO:0015356.

Submission:

Spanish MMR Variant Interpretation Working Group
Classification: Uncertain significance for Hereditary cancer-predisposing syndrome. Last evaluated: 2025-05-05. Review status: criteria provided, single submitter. Criteria: ClinGen CRC ACMG Specifications PMS2 V1.0.0. Collection method: clinical testing. Allele origin: germline. Affected: yes.
Comment: The PMS2 variant c.2465_2485dup is an in-frame variant leading to an insertion of 7 amino acids within the last exon, p.(Lys828_Lys829insIleAsnThrSerGluMetLys). It is absent from the gnomAD v4.1.0 database (PM2_P; the allele frequency data may be inaccurate due to possible PMS2CL pseudogene interference). The SpliceAI algorithm predicts no significant impact on splicing. To our current knowledge, no functional assays have been reported for this variant. Based on the available evidence, this variant is classified as a Variant of Uncertain Significance (Class 3).

NM_000535.7(PMS2):c.2463_2464insTTAACACAAGCGAGATGAAGA (p.Leu822_Asn823insThrGlnAlaArgTer)

Gene: PMS2 (PMS1 homolog 2, mismatch repair system component; minus strand). Cytogenetic location: 7p22.1.
Variant type: Insertion.
Coding change: c.2463_2464insTTAACACAAGCGAGATGAAGA on transcript NM_000535.7 (MANE Select); coding-DNA positions 2463 to 2464, TTAACACAAGCGAGATGAAGA inserted.
Protein change: p.Leu822_Asn823insThrGlnAlaArgTer.
Molecular consequence: nonsense, inframe insertion. On other transcripts: non-coding transcript variant (1).
Genome position: GRCh38 VCF-style: chr7-5973524-G-GTCTTCATCTCGCTTGTGTTAA. GRCh37 (hg19) VCF-style: chr7-6013155-G-GTCTTCATCTCGCTTGTGTTAA.
Other names: c.2145_2146insTTAACACAAGCGAGATGAAGA, p.Leu716_Asn717insThrGlnAlaArgTer (NM_001322008.2, NM_001322007.2, NM_001406883.1); c.2058_2059insTTAACACAAGCGAGATGAAGA, p.Leu687_Asn688insThrGlnAlaArgTer (NM_001322003.2, NM_001322004.2, NM_001322005.2 and 11 more transcripts); c.2307_2308insTTAACACAAGCGAGATGAAGA, p.Leu770_Asn771insThrGlnAlaArgTer (NM_001322006.2); c.2091_2092insTTAACACAAGCGAGATGAAGA, p.Leu698_Asn699insThrGlnAlaArgTer (NM_001322009.2, NM_001406887.1, NM_001406888.1); c.1902_1903insTTAACACAAGCGAGATGAAGA, p.Leu635_Asn636insThrGlnAlaArgTer (NM_001322010.2, NM_001406906.1, NM_001406907.1); c.1530_1531insTTAACACAAGCGAGATGAAGA, p.Leu511_Asn512insThrGlnAlaArgTer (NM_001322011.2, NM_001322012.2); c.1890_1891insTTAACACAAGCGAGATGAAGA, p.Leu631_Asn632insThrGlnAlaArgTer (NM_001322013.2, NM_001406908.1, NM_001406909.1); c.2496_2497insTTAACACAAGCGAGATGAAGA, p.Leu833_Asn834insThrGlnAlaArgTer (NM_001322014.2); and 20 more.
Identifiers: ClinVar variation 4074754 (VCV004074754.1).
Genomic context (GRCh38, chr7:5,973,524, plus strand): 5'-TCCAGGGGTGGTCCATCTCCCCCATGTGGGTGATCAGTTTCTTCATCTCGCTTGTGTTAA[G>GTCTTCATCTCGCTTGTGTTAA]AGCAGTCCCAATCATCACCTGAGTGTGAGACACAATGGTTCAACGTTTTAGTAGTTTTTT-3'